The following is an entry in ClinVar:

NR_199791.1(RNU2-2):n.145A>T

Genes: RNU2-2 (RNA, U2 small nuclear 2; minus strand), WDR74 (WD repeat domain 74; minus strand). Cytogenetic location: 11q12.3.
Variant type: single nucleotide variant.
Molecular consequence: non-coding transcript variant (on NR_199791.1). On other transcripts: 5 prime UTR variant (1).
Genome position: GRCh38 VCF-style: chr11-62841665-T-A. GRCh37 (hg19) VCF-style: chr11-62609137-T-A.
Other names: c.-394A>T (NM_001369451.1).
Identifiers: ClinVar variation 4540528 (VCV004540528.1).
Genomic context (GRCh38, chr11:62,841,665, plus strand): 5'-TTCTCTCCCCGAAGGGAGAGTGCACCGTTCCTGGAAGTACTGCAATACCAGGTCGATGCG[T>A]GGAGTGGACGGAGCAAGCTCCTATTCCATCTCCTATTTCCAAAAATCCATTTAATATATT-3'

ClinVar aggregate classification (germline): Uncertain significance (1 of 4 stars; one submission).

Submission:

Institute for Human Genetics, University Hospital Essen
Classification: Uncertain significance. Last evaluated: 2025-11-27. Review status: criteria provided, single submitter. Criteria: Submitter's publication. Collection method: clinical testing. Allele origin: inherited. Inheritance: Autosomal unknown. Affected: yes. Observed: 1 variant allele, 1 compound heterozygote.
Comment: PM2_supp, PM3 (criteria rationale detailed in Leitão et al. Nature Genetics 2026)